The following is an entry in ClinVar:

ClinVar aggregate classification (germline): Uncertain significance (1 of 4 stars; one submission).

Allele frequency attached by ClinVar (database versions not stated): gnomAD 0.00001; TOPMed 0.00002; ESP Exome Variant Server 0.00008.
gnomAD v4.1: 18 of 1,613,868 alleles (0.0011%); highest among the groups gnomAD compares: Middle Eastern, 0.016%; no homozygotes.

Submission:

Labcorp Genetics (formerly Invitae), Labcorp
Classification: Uncertain significance. Last evaluated: 2022-03-16. Review status: criteria provided, single submitter. Criteria: Invitae Variant Classification Sherloc (09022015). Collection method: clinical testing. Allele origin: germline.
Comment: Algorithms developed to predict the effect of missense changes on protein structure and function are either unavailable or do not agree on the potential impact of this missense change (SIFT: "Deleterious"; PolyPhen-2: "Possibly Damaging"; Align-GVGD: "Class C0"). This sequence change replaces arginine, which is basic and polar, with tryptophan, which is neutral and slightly polar, at codon 283 of the OSGEP protein (p.Arg283Trp). This variant is present in population databases (rs370582130, gnomAD 0.008%). This variant has not been reported in the literature in individuals affected with OSGEP-related conditions. In summary, the available evidence is currently insufficient to determine the role of this variant in disease. Therefore, it has been classified as a Variant of Uncertain Significance.

NM_017807.4(OSGEP):c.847C>T (p.Arg283Trp)

Gene: OSGEP (O-sialoglycoprotein endopeptidase; minus strand). Cytogenetic location: 14q11.2.
Variant type: single nucleotide variant.
Coding change: c.847C>T on transcript NM_017807.4 (MANE Select); coding-DNA position 847, C replaced by T.
Protein change: p.Arg283Trp; replaces arginine 283 with tryptophan.
Molecular consequence: missense variant.
Genome position (GRCh38, 1-based): chr14:20,447,637, G>A on the plus strand (C>T on the coding strand, the complement: OSGEP is on the minus strand). VCF-style: chr14-20447637-G-A. GRCh37 (hg19) VCF-style: chr14-20915796-G-A.
Other names: short protein forms R283W.
Identifiers: ClinVar variation 1968458 (VCV001968458.5), dbSNP rs370582130, ClinGen allele CA257400990.
Genomic context (GRCh38, chr14:20,447,637, plus strand): 5'-GAGAAGTAAAAAAGAAACCAAAGGGAAAGTGTCTTTACCTCTCATCTGTAGCAAAAAGCC[G>A]GGCTCCACGTTCCTGGCACATTGTTGCCATCATCTCCTGTAGCCTCACATTACCTACAAA-3'
Protein context (NP_060277.1, residues 273-293): MATMCQERGA[Arg283Trp]LFATDERFCI